The following is an entry in ClinVar:

NM_015488.5(PNKD):c.716A>T (p.Asp239Val)

Genes: CATIP-AS2 (CATIP antisense RNA 2; minus strand), PNKD (PNKD metallo-beta-lactamase domain containing; plus strand). Cytogenetic location: 2q35.
Variant type: single nucleotide variant.
Coding change: c.716A>T on transcript NM_015488.5 (MANE Select); coding-DNA position 716, A replaced by T.
Protein change: p.Asp239Val; replaces aspartic acid 239 with valine.
Molecular consequence: missense variant.
Genome position (GRCh38, 1-based): chr2:218,342,079, A>T. VCF-style: chr2-218342079-A-T. GRCh37 (hg19) VCF-style: chr2-219206802-A-T.
Other names: c.644A>T, p.Asp215Val (NM_022572.5); short protein forms D239V, D215V.
Identifiers: ClinVar variation 536500 (VCV000536500.9), dbSNP rs1553674341, ClinGen allele CA350541235.

ClinVar aggregate classification (germline): Uncertain significance (1 of 4 stars; one submission).

Conditions:
Paroxysmal nonkinesigenic dyskinesia. Also called: Paroxysmal non-kinesigenic dyskinesia. Identifiers: Orphanet 98810, MedGen C1869117, MONDO:0700088.

Allele frequency attached by ClinVar (database versions not stated): gnomAD exomes below 0.00001.
gnomAD v4.1: 2 of 1,613,590 alleles (0.00012%); highest among the groups gnomAD compares: Non-Finnish European, 0.00017%; no homozygotes.

Submission:

Labcorp Genetics (formerly Invitae), Labcorp
Classification: Uncertain significance for Paroxysmal nonkinesigenic dyskinesia. Last evaluated: 2021-03-26. Review status: criteria provided, single submitter. Criteria: Invitae Variant Classification Sherloc (09022015). Collection method: clinical testing. Allele origin: germline.
Comment: Algorithms developed to predict the effect of sequence changes on RNA splicing suggest that this variant may create or strengthen a splice site, but this prediction has not been confirmed by published transcriptional studies. This sequence change replaces aspartic acid with valine at codon 239 of the PNKD protein (p.Asp239Val). The aspartic acid residue is moderately conserved and there is a large physicochemical difference between aspartic acid and valine. This variant is not present in population databases (ExAC no frequency). This variant has not been reported in the literature in individuals with PNKD-related disease. Algorithms developed to predict the effect of missense changes on protein structure and function do not agree on the potential impact of this missense change (SIFT: "Deleterious"; PolyPhen-2: "Possibly Damaging"; Align-GVGD: "Class C0"). In summary, the available evidence is currently insufficient to determine the role of this variant in disease. Therefore, it has been classified as a Variant of Uncertain Significance.